The following is an entry in ClinVar:

ClinVar aggregate classification (germline): Pathogenic (1 of 4 stars; one submission).

Conditions:
Ataxia-telangiectasia syndrome (AT). Also called: ATAXIA-TELANGIECTASIA, COMPLEMENTATION GROUP A; ATAXIA-TELANGIECTASIA, FRESNO VARIANT; Ataxia-telangiectasia, complementation group E; Ataxia telangiectasia (A-T); LOUIS-BAR SYNDROME; Cerebello-oculocutaneous telangiectasia. Identifiers: Orphanet 100, MedGen C0004135, MONDO:0008840, OMIM 208900.

Submission:

Labcorp Genetics (formerly Invitae), Labcorp
Classification: Pathogenic for Ataxia-telangiectasia syndrome. Last evaluated: 2020-10-13. Review status: criteria provided, single submitter. Criteria: Invitae Variant Classification Sherloc (09022015). Collection method: clinical testing. Allele origin: germline.
Comment: A gross deletion of the genomic region encompassing the full coding sequence of the ATM gene has been identified. The boundaries of this event are unknown as the deletion extends beyond the assayed region for this gene and therefore may encompass additional genes. A gross deletion encompassing the ATM gene and other genes has been observed in individual(s) with pancreatic cancer (PMID: 31671381). Loss-of-function variants in ATM are known to be pathogenic (PMID: 23807571, 25614872). For these reasons, this variant has been classified as Pathogenic.

Literature cited by the submitters: PubMed 31671381; PubMed 23807571; PubMed 25614872.

NC_000011.10:g.(?_108221832)_(108370099_?)del

Genes: ATM (ATM serine/threonine kinase; plus strand), NPAT (nuclear protein, coactivator of histone transcription; minus strand). Cytogenetic location: 11q22.3.
Variant type: Deletion.
Identifiers: ClinVar variation 831475 (VCV000831475.2).